The following is an entry in ClinVar:

ClinVar aggregate classification (germline): Pathogenic. Review status: criteria provided, multiple submitters, no conflicts (2 of 4 stars). 2 submissions from 2 submitters: Pathogenic (2). Last evaluated 2021-10-08.

Conditions:
Episodic ataxia type 2 (EA2). Also called: ATAXIA, EPISODIC, WITH NYSTAGMUS; ATAXIA, FAMILIAL PAROXYSMAL; CEREBELLAR ATAXIA, PAROXYSMAL, ACETAZOLAMIDE-RESPONSIVE; CEREBELLOPATHY, HEREDITARY PAROXYSMAL; EPISODIC ATAXIA, NYSTAGMUS-ASSOCIATED; ACETAZOLAMIDE-RESPONSIVE HEREDITARY PAROXYSMAL CEREBELLAR ATAXIA. Identifiers: Orphanet 97, MedGen C1720416, MONDO:0007163, OMIM 108500.
Developmental and epileptic encephalopathy, 42 (DEE42A). Also called: DEVELOPMENTAL AND EPILEPTIC ENCEPHALOPATHY 42A; EPILEPTIC ENCEPHALOPATHY, EARLY INFANTILE, 42A; Epileptic encephalopathy, early infantile, 42. Identifiers: MedGen C4310716, MONDO:0014917, OMIM 617106.

Submissions (2):

Athena Diagnostics
Classification: Pathogenic. Last evaluated: 2021-10-08. Review status: criteria provided, single submitter. Criteria: Athena Diagnostics Criteria. Collection method: clinical testing. Allele origin: unknown.
Comment: This variant is expected to result in the loss of a functional protein. This variant has not been reported in large, multi-ethnic general populations. This variant has been identified in at least one individual tested at Athena Diagnostics with clinical features associated with this gene.

Labcorp Genetics (formerly Invitae), Labcorp
Classification: Pathogenic for Developmental and epileptic encephalopathy, 42; Episodic ataxia type 2. Last evaluated: 2021-03-23. Review status: criteria provided, single submitter. Criteria: Invitae Variant Classification Sherloc (09022015). Collection method: clinical testing. Allele origin: germline.
Comment: For these reasons, this variant has been classified as Pathogenic. This variant has not been reported in the literature in individuals with CACNA1A-related conditions. This variant is not present in population databases (ExAC no frequency). This sequence change creates a premature translational stop signal (p.Trp169*) in the CACNA1A gene. It is expected to result in an absent or disrupted protein product. Loss-of-function variants in CACNA1A are known to be pathogenic (PMID: 10371528, 19486177, 25735478, 27250579).

Literature cited by the submitters: PubMed 10371528 (cited by Labcorp Genetics (formerly Invitae), Labcorp); PubMed 19486177 (cited by Labcorp Genetics (formerly Invitae), Labcorp); PubMed 25735478 (cited by Labcorp Genetics (formerly Invitae), Labcorp); PubMed 27250579 (cited by Labcorp Genetics (formerly Invitae), Labcorp).

NM_001127222.2(CACNA1A):c.507G>A (p.Trp169Ter)

Gene: CACNA1A (calcium voltage-gated channel subunit alpha1 A; minus strand). Cytogenetic location: 19p13.13.
Variant type: single nucleotide variant.
Coding change: c.507G>A on transcript NM_001127222.2 (MANE Select); coding-DNA position 507, G replaced by A.
Protein change: p.Trp169Ter; replaces tryptophan 169 with a stop codon.
Molecular consequence: nonsense.
Genome position (GRCh38, 1-based): chr19:13,452,908, C>T on the plus strand (G>A on the coding strand, the complement: CACNA1A is on the minus strand). VCF-style: chr19-13452908-C-T. GRCh37 (hg19) VCF-style: chr19-13563722-C-T.
Other names: c.507G>A, p.Trp169Ter (NM_000068.4, NM_001127221.2, NM_001174080.2 and 1 more transcripts); short protein forms W169*.
Identifiers: ClinVar variation 1374639 (VCV001374639.7), dbSNP rs2144936148, ClinGen allele CA404967473.
Genomic context (GRCh38, chr19:13,452,908, plus strand): 5'-TCCAAAGCGTATAGCACGCGCCACTTACCCCGTTAGCACCACCACAAAGTCCATGACATT[C>T]CAGCCATTCCTCAAGTAGGAGCCTTTGTGGAAGGCAAACCCAAGGGCAATGATTTTAATT-3'